The following is an entry in ClinVar:

NM_016156.6(MTMR2):c.1457G>C (p.Cys486Ser)

Gene: MTMR2 (myotubularin related protein 2; minus strand). Cytogenetic location: 11q21.
Variant type: single nucleotide variant.
Coding change: c.1457G>C on transcript NM_016156.6 (MANE Select); coding-DNA position 1457, G replaced by C.
Protein change: p.Cys486Ser; replaces cysteine 486 with serine.
Molecular consequence: missense variant.
Genome position (GRCh38, 1-based): chr11:95,841,639, C>G on the plus strand (G>C on the coding strand, the complement: MTMR2 is on the minus strand). VCF-style: chr11-95841639-C-G. GRCh37 (hg19) VCF-style: chr11-95574803-C-G.
Other names: c.1241G>C, p.Cys414Ser (NM_001243571.2, NM_201278.3, NM_201281.3); short protein forms C414S, C486S.
Identifiers: ClinVar variation 1421285 (VCV001421285.5), dbSNP rs765313279, ClinGen allele CA6239991.

ClinVar aggregate classification (germline): Uncertain significance (1 of 4 stars; one submission).

Conditions:
Charcot-Marie-Tooth disease type 4. Also called: Charcot-Marie-Tooth, Type 4; Charcot-Marie-Tooth disease, type IV. Identifiers: Orphanet 64749, MedGen C4082197, MONDO:0018995.

Allele frequency attached by ClinVar (database versions not stated): gnomAD exomes below 0.00001; ExAC 0.00001.
gnomAD v4.1: 3 of 1,612,944 alleles (0.00019%); highest among the groups gnomAD compares: Non-Finnish European, 0.00025%; no homozygotes.

Submission:

Labcorp Genetics (formerly Invitae), Labcorp
Classification: Uncertain significance for Charcot-Marie-Tooth disease type 4. Last evaluated: 2021-08-24. Review status: criteria provided, single submitter. Criteria: Invitae Variant Classification Sherloc (09022015). Collection method: clinical testing. Allele origin: germline.
Comment: This sequence change replaces cysteine with serine at codon 486 of the MTMR2 protein (p.Cys486Ser). The cysteine residue is highly conserved and there is a moderate physicochemical difference between cysteine and serine. This variant is present in population databases (rs765313279, ExAC 0.002%). This variant has not been reported in the literature in individuals affected with MTMR2-related conditions. Algorithms developed to predict the effect of missense changes on protein structure and function (SIFT, PolyPhen-2, Align-GVGD) all suggest that this variant is likely to be tolerated. In summary, the available evidence is currently insufficient to determine the role of this variant in disease. Therefore, it has been classified as a Variant of Uncertain Significance.